The following is an entry in ClinVar:

ClinVar aggregate classification (germline): Uncertain significance. Review status: criteria provided, multiple submitters, no conflicts (2 of 4 stars). 4 submissions from 4 submitters: Uncertain significance (4). Last evaluated 2025-09-16.

Conditions:
Marfan syndrome (MFS). Also called: MARFAN SYNDROME, TYPE I; FBN1-Related Marfan Syndrome; Marfan syndrome type 1; Marfan's syndrome; Marfan syndrome, classic. Identifiers: Orphanet 284963, Orphanet 558, MedGen C0024796, MONDO:0007947, OMIM 154700.
Familial thoracic aortic aneurysm and aortic dissection (TAAD). Also called: Thoracic aortic aneurysms and dissections. Identifiers: Orphanet 91387, MedGen C4707243, MONDO:0019625.

Allele frequency attached by ClinVar (database versions not stated): gnomAD 0.00001; gnomAD exomes below 0.00001; TOPMed below 0.00001.
gnomAD v4.1: 2 of 1,613,824 alleles (0.00012%); highest among the groups gnomAD compares: Non-Finnish European, 0.00017%; no homozygotes.

Submissions (4):

Labcorp Genetics (formerly Invitae), Labcorp
Classification: Uncertain significance for Marfan syndrome; Familial thoracic aortic aneurysm and aortic dissection. Last evaluated: 2025-09-16. Review status: criteria provided, single submitter. Criteria: Invitae Variant Classification Sherloc (09022015). Collection method: clinical testing. Allele origin: germline.
Comment: This sequence change replaces isoleucine, which is neutral and non-polar, with phenylalanine, which is neutral and non-polar, at codon 1783 of the FBN1 protein (p.Ile1783Phe). This variant is not present in population databases (gnomAD no frequency). This missense change has been observed in individual(s) with clinical features of FBN1-related conditions (PMID: 31829210). ClinVar contains an entry for this variant (Variation ID: 457229). Invitae Evidence Modeling of protein sequence and biophysical properties (such as structural, functional, and spatial information, amino acid conservation, physicochemical variation, residue mobility, and thermodynamic stability) indicates that this missense variant is expected to disrupt FBN1 protein function with a positive predictive value of 95%. In summary, the available evidence is currently insufficient to determine the role of this variant in disease. Therefore, it has been classified as a Variant of Uncertain Significance.

Color Diagnostics, LLC DBA Color Health
Classification: Uncertain significance for Familial thoracic aortic aneurysm and aortic dissection. Last evaluated: 2025-07-02. Review status: criteria provided, single submitter. Criteria: ACMG Guidelines, 2015. Collection method: clinical testing. Allele origin: germline.
Comment: This missense variant replaces isoleucine with phenylalanine at codon 1783 of the FBN1 protein. Computational prediction suggests that this variant may have a deleterious impact on protein structure and function. To our knowledge, functional studies have not been reported for this variant. This variant has been reported in an individual affected with premature aging syndrome (PMID: 31829210). This variant has not been identified in the general population by the Genome Aggregation Database (gnomAD). The available evidence is insufficient to determine the role of this variant in disease conclusively. Therefore, this variant is classified as a Variant of Uncertain Significance.

All of Us Research Program, National Institutes of Health
Classification: Uncertain significance for Marfan syndrome. Last evaluated: 2023-02-24. Review status: criteria provided, single submitter. Criteria: ACMG Guidelines, 2015. Collection method: clinical testing. Allele origin: germline. Inheritance: Autosomal dominant inheritance. Observed: 1 variant allele, 1 heterozygote.
Comment: Variant of Uncertain Significance due to insufficient evidence: This missense variant is located in the calcium-binding EGF-like motif 29 of the FBN1 protein. Computational prediction tools and conservation analyses suggest that this variant may have deleterious impact on the protein function. Computational splicing tools suggest that this variant may not impact RNA splicing. To our knowledge, functional assays have not been performed for this variant nor has this variant been reported in individuals affected with cardiovascular disorders in the literature. This variant is rare in the general population and has been identified in 0/277264 chromosomes by the Genome Aggregation Database (gnomAD). Available evidence is insufficient to determine the role of this variant in disease conclusively.

This study involves interpretation of variants in research participants for the purpose of population health screening. Participant phenotype was not available at the time of variant classification. Additional details can be found in publication PMID: 35346344, PMCID: PMC8962531

GeneDx
Classification: Uncertain significance. Last evaluated: 2022-07-15. Review status: criteria provided, single submitter. Criteria: GeneDx Variant Classification Process June 2021. Collection method: clinical testing. Allele origin: germline. Affected: yes.
Comment: Not observed at significant frequency in large population cohorts (gnomAD); In silico analysis supports that this missense variant has a deleterious effect on protein structure/function; Although located in a calcium-binding EGF-like domain of the FBN1 gene, it does not affect a cysteine residue within this domain; cysteine substitutions in the calcium-binding EGF-like domains represent the majority of pathogenic missense changes associated with FBN1-related disorders (Collod-Beroud et al., 2003); Identified in an individual with a Progeroid phenotype in published literature (Grelet M et al., 2019), additional details were not provided; This variant is associated with the following publications: (PMID: 12938084, 31829210)

Literature cited by the submitters: PubMed 31829210 (cited by Labcorp Genetics (formerly Invitae), Labcorp and Color Diagnostics, LLC DBA Color Health).

NM_000138.5(FBN1):c.5347A>T (p.Ile1783Phe)

Gene: FBN1 (fibrillin 1; minus strand). Cytogenetic location: 15q21.1.
Variant type: single nucleotide variant.
Coding change: c.5347A>T on transcript NM_000138.5 (MANE Select); coding-DNA position 5347, A replaced by T.
Protein change: p.Ile1783Phe; replaces isoleucine 1783 with phenylalanine.
Molecular consequence: missense variant.
Genome position (GRCh38, 1-based): chr15:48,456,712, T>A on the plus strand (A>T on the coding strand, the complement: FBN1 is on the minus strand). VCF-style: chr15-48456712-T-A. GRCh37 (hg19) VCF-style: chr15-48748909-T-A.
Other names: short protein forms I1783F.
Identifiers: ClinVar variation 457229 (VCV000457229.15), dbSNP rs1232797551, ClinGen allele CA392346180.